The following is an entry in ClinVar:

ClinVar aggregate classification (germline): Conflicting classifications of pathogenicity. Review status: criteria provided, conflicting classifications (1 of 4 stars). 3 submissions from 3 submitters: Uncertain significance (2); Benign (1). Last evaluated 2024-07-16.

Conditions:
Primary ciliary dyskinesia. Also called: Ciliary dyskinesia. Identifiers: Orphanet 244, MedGen C0008780, MONDO:0016575, HP:0012265.
Primary ciliary dyskinesia 7. Also called: CILIARY DYSKINESIA, PRIMARY, 7, WITH OR WITHOUT SITUS INVERSUS. Identifiers: Orphanet 244, MedGen C2678473, MONDO:0012748, OMIM 611884.

Allele frequency attached by ClinVar (database versions not stated): gnomAD exomes below 0.00001; gnomAD 0.00001; ExAC 0.00002.
gnomAD v4.1: 9 of 1,613,612 alleles (0.00056%); highest among the groups gnomAD compares: Middle Eastern, 0.033%; no homozygotes.

Submissions (3):

Labcorp Genetics (formerly Invitae), Labcorp
Classification: Benign for Primary ciliary dyskinesia. Last evaluated: 2024-07-16. Review status: criteria provided, single submitter. Criteria: Invitae Variant Classification Sherloc (09022015). Collection method: clinical testing. Allele origin: germline.

Revvity Omics, Revvity
Classification: Uncertain significance for Primary ciliary dyskinesia 7. Last evaluated: 2022-03-25. Review status: criteria provided, single submitter. Criteria: ACMG Guidelines, 2015. Collection method: clinical testing. Allele origin: germline.

Ambry Genetics
Classification: Uncertain significance for Primary ciliary dyskinesia. Last evaluated: 2022-03-03. Review status: criteria provided, single submitter. Criteria: Ambry Variant Classification Scheme 2023. Collection method: clinical testing. Allele origin: germline.
Comment: The p.T4224A variant (also known as c.12670A>G), located in coding exon 77 of the DNAH11 gene, results from an A to G substitution at nucleotide position 12670. The threonine at codon 4224 is replaced by alanine, an amino acid with similar properties. This amino acid position is conserved. In addition, this alteration is predicted to be tolerated by in silico analysis. Since supporting evidence is limited at this time, the clinical significance of this alteration remains unclear.

NM_001277115.2(DNAH11):c.12670A>G (p.Thr4224Ala)

Gene: DNAH11 (dynein axonemal heavy chain 11; plus strand). Cytogenetic location: 7p15.3.
Variant type: single nucleotide variant.
Coding change: c.12670A>G on transcript NM_001277115.2 (MANE Select); coding-DNA position 12670, A replaced by G.
Protein change: p.Thr4224Ala; replaces threonine 4224 with alanine.
Molecular consequence: missense variant.
Genome position (GRCh38, 1-based): chr7:21,892,587, A>G. VCF-style: chr7-21892587-A-G. GRCh37 (hg19) VCF-style: chr7-21932205-A-G.
Other names: c.12691A>G, p.Thr4231Ala (NM_003777.3); short protein forms T4231A, T4224A.
Identifiers: ClinVar variation 1764358 (VCV001764358.8), dbSNP rs748398869, ClinGen allele CA4183143.